The following is an entry in ClinVar:

NM_017934.7(PHIP):c.1389+5G>A

Gene: PHIP (PHIP subunit of CUL4-Ring ligase complex; minus strand). Cytogenetic location: 6q14.1.
Variant type: single nucleotide variant.
Coding change: c.1389+5G>A on transcript NM_017934.7 (MANE Select); 5 bases into the intron after coding-DNA position 1389, G replaced by A.
Molecular consequence: intron variant.
Genome position (GRCh38, 1-based): chr6:79,015,625, C>T on the plus strand (G>A on the coding strand, the complement: PHIP is on the minus strand). VCF-style: chr6-79015625-C-T. GRCh37 (hg19) VCF-style: chr6-79725342-C-T.
Identifiers: ClinVar variation 4861786 (VCV004861786.1).

ClinVar aggregate classification (germline): Uncertain significance (1 of 4 stars; one submission).

Conditions:
Inborn genetic diseases. Identifiers: MedGen C0950123, MeSH D030342.

Submission:

Ambry Genetics
Classification: Uncertain significance for Inborn genetic diseases. Last evaluated: 2026-04-27. Review status: criteria provided, single submitter. Criteria: Ambry Variant Classification Scheme 2023. Collection method: clinical testing. Allele origin: germline.
Comment: The c.1389+5G>A intronic variant consists of a G to A substitution 5 nucleotides after exon 14 (coding exon 14) in the PHIP gene. This variant was not reported in population-based cohorts in the Genome Aggregation Database (gnomAD). This nucleotide position is highly conserved in available vertebrate species. In silico splice site analysis predicts that this alteration will weaken the native splice donor site. Based on insufficient or conflicting evidence, the clinical significance of this alteration remains unclear.